The following is an entry in ClinVar:

NM_006947.4(SRP72):c.370C>T (p.Arg124Cys)

Gene: SRP72 (signal recognition particle 72; plus strand). Cytogenetic location: 4q12.
Variant type: single nucleotide variant.
Coding change: c.370C>T on transcript NM_006947.4 (MANE Select); coding-DNA position 370, C replaced by T.
Protein change: p.Arg124Cys; replaces arginine 124 with cysteine.
Molecular consequence: missense variant. On other transcripts: non-coding transcript variant (1).
Genome position (GRCh38, 1-based): chr4:56,474,069, C>T. VCF-style: chr4-56474069-C-T. GRCh37 (hg19) VCF-style: chr4-57340235-C-T.
Other names: c.370C>T, p.Arg124Cys (NM_001267722.2); short protein forms R124C.
Identifiers: ClinVar variation 436865 (VCV000436865.12), dbSNP rs780619103, ClinGen allele CA2931053.

ClinVar aggregate classification (germline): Uncertain significance. Review status: criteria provided, multiple submitters, no conflicts (2 of 4 stars). 4 submissions from 4 submitters: Uncertain significance (4). Last evaluated 2025-08-11.

Allele frequency attached by ClinVar (database versions not stated): ExAC 0.00001; gnomAD 0.00001; gnomAD exomes 0.00001 and 0.00002; TOPMed 0.00001.
gnomAD v4.1: 13 of 1,613,424 alleles (0.00081%); highest among the groups gnomAD compares: East Asian, 0.0045%; no homozygotes.

Submissions (4):

Labcorp Genetics (formerly Invitae), Labcorp
Classification: Uncertain significance. Last evaluated: 2025-08-11. Review status: criteria provided, single submitter. Criteria: Invitae Variant Classification Sherloc (09022015). Collection method: clinical testing. Allele origin: germline.
Comment: This sequence change replaces arginine, which is basic and polar, with cysteine, which is neutral and slightly polar, at codon 124 of the SRP72 protein (p.Arg124Cys). This variant is present in population databases (rs780619103, gnomAD 0.01%). This variant has not been reported in the literature in individuals affected with SRP72-related conditions. ClinVar contains an entry for this variant (Variation ID: 436865). Invitae Evidence Modeling of protein sequence and biophysical properties (such as structural, functional, and spatial information, amino acid conservation, physicochemical variation, residue mobility, and thermodynamic stability) has been performed for this missense variant. However, the output from this modeling did not meet the statistical confidence thresholds required to predict the impact of this variant on SRP72 protein function. In summary, the available evidence is currently insufficient to determine the role of this variant in disease. Therefore, it has been classified as a Variant of Uncertain Significance.

Ambry Genetics
Classification: Uncertain significance. Last evaluated: 2024-12-08. Review status: criteria provided, single submitter. Criteria: Ambry Variant Classification Scheme 2023. Collection method: clinical testing. Allele origin: germline.
Comment: The p.R124C variant (also known as c.370C>T), located in coding exon 4 of the SRP72 gene, results from a C to T substitution at nucleotide position 370. The arginine at codon 124 is replaced by cysteine, an amino acid with highly dissimilar properties. This amino acid position is conserved. In addition, the in silico prediction for this alteration is inconclusive. Based on the available evidence, the clinical significance of this variant remains unclear.

GeneDx
Classification: Uncertain significance. Last evaluated: 2023-09-12. Review status: criteria provided, single submitter. Criteria: GeneDx Variant Classification Process June 2021. Collection method: clinical testing. Allele origin: germline. Affected: yes.
Comment: In silico analysis supports that this missense variant has a deleterious effect on protein structure/function; Has not been previously published as pathogenic or benign to our knowledge; This variant is associated with the following publications: (PMID: 28369529, 27899666)

Genetic Services Laboratory, University of Chicago
Classification: Uncertain significance. Last evaluated: 2016-06-03. Review status: criteria provided, single submitter. Criteria: ACMG Guidelines, 2015. Collection method: clinical testing. Allele origin: germline. Affected: no.